The following is an entry in ClinVar:

ClinVar aggregate classification (germline): Pathogenic/Likely pathogenic. Review status: criteria provided, multiple submitters, no conflicts (2 of 4 stars). 3 submissions from 3 submitters: Pathogenic (1); Likely pathogenic (1). 1 of the submissions does not count toward it. Last evaluated 2025-10-22.

Conditions:
Microcephaly 14, primary, autosomal recessive. Identifiers: Orphanet 2512, MedGen C4225338, MONDO:0014623, OMIM 616402.

Allele frequency attached by ClinVar (database versions not stated): gnomAD exomes 0.00001 and 0.00002; TOPMed 0.00002; gnomAD 0.00003.
gnomAD v4.1: 12 of 1,428,662 alleles (0.00084%); highest among the groups gnomAD compares: African/African-American, 0.014%; no homozygotes.

Submissions (3):

Department of Genetics, Rouen University Hospital, Normandy Center for Genomic and Personalized Medicine
Classification: Pathogenic for Microcephaly 14, primary, autosomal recessive. Last evaluated: 2025-10-22. Review status: criteria provided, single submitter. Criteria: ACMG Guidelines, 2015. Collection method: clinical testing. Allele origin: maternal. Affected: yes.

Women's Health and Genetics/Laboratory Corporation of America, LabCorp
Classification: Likely pathogenic for Microcephaly 14, primary, autosomal recessive. Last evaluated: 2024-02-02. Review status: criteria provided, single submitter. Criteria: LabCorp Variant Classification Summary - May 2015. Collection method: clinical testing. Allele origin: germline.
Comment: Variant summary: SASS6 c.127-13A>G alters a non-conserved nucleotide located at a position not widely known to affect splicing. Several computational tools predict a significant impact on normal splicing: One predict the variant abolishes a 3' acceptor site. One predict the variant weakens a 3' acceptor site. One predict the variant no significant impact on splicing. At least one publication reports experimental evidence that this variant affects mRNA splicing (Zhang_2019). The variant allele was found at a frequency of 1.9e-05 in 213538 control chromosomes. c.127-13A>G has been reported in the literature in individuals affected with Microcephaly 14, Primary, Autosomal Recessive (Zhang_2019). The following publication have been ascertained in the context of this evaluation (PMID: 30639237). ClinVar contains an entry for this variant (Variation ID: 977771). Based on the evidence outlined above, the variant was classified as likely pathogenic.

OMIM
Classification: Pathogenic for MICROCEPHALY 14, PRIMARY, AUTOSOMAL RECESSIVE. Last evaluated: 2020-09-10. Review status: no assertion criteria provided. Collection method: literature only. Allele origin: germline. Not counted in ClinVar's aggregate classification.

Literature cited by the submitters: PubMed 30639237 (cited by Women's Health and Genetics/Laboratory Corporation of America, LabCorp and OMIM).

NM_194292.3(SASS6):c.127-13A>G

Gene: SASS6 (SAS-6 centriolar assembly protein; minus strand). Cytogenetic location: 1p21.2.
Variant type: single nucleotide variant.
Coding change: c.127-13A>G on transcript NM_194292.3 (MANE Select); 13 bases into the intron before coding-DNA position 127, A replaced by G.
Molecular consequence: intron variant.
Genome position (GRCh38, 1-based): chr1:100,123,302, T>C on the plus strand (A>G on the coding strand, the complement: SASS6 is on the minus strand). VCF-style: chr1-100123302-T-C. GRCh37 (hg19) VCF-style: chr1-100588858-T-C.
Other names: IVS2AS, A-G, -13; c.-295-818A>G (NM_001304829.2).
Identifiers: ClinVar variation 977771 (VCV000977771.4), dbSNP rs1406541512, ClinGen allele CA524726203.